The following is an entry in ClinVar:

NM_001005242.3(PKP2):c.2318G>A (p.Gly773Glu)

Gene: PKP2 (plakophilin 2; minus strand). Cytogenetic location: 12p11.21.
Variant type: single nucleotide variant.
Coding change: c.2318G>A on transcript NM_001005242.3 (MANE Select); coding-DNA position 2318, G replaced by A.
Protein change: p.Gly773Glu; replaces glycine 773 with glutamic acid.
Molecular consequence: missense variant.
Genome position (GRCh38, 1-based): chr12:32,796,148, C>T on the plus strand (G>A on the coding strand, the complement: PKP2 is on the minus strand). VCF-style: chr12-32796148-C-T. GRCh37 (hg19) VCF-style: chr12-32949082-C-T.
Other names: c.2450G>A, p.Gly817Glu (NM_004572.4); short protein forms G773E, G817E.
Identifiers: ClinVar variation 946431 (VCV000946431.9), dbSNP rs1956119815, ClinGen allele CA384357615.
Genomic context (GRCh38, chr12:32,796,148, plus strand): 5'-GGGCAGAACTGAAGGACTTACGCATCGCCTGCACTAATGGCCATAATTTTCTGGATGCCC[C>T]CGGTGTTTAGAAGGTCGCGTGCATTCTGGTAACTGTTTTGGATTATGTTGTTCAATGTGT-3'
Protein context (NP_001005242.2, residues 763-783): YQNARDLLNT[Gly773Glu]GIQKIMAISA

ClinVar aggregate classification (germline): Uncertain significance (1 of 4 stars; one submission).

Conditions:
Arrhythmogenic right ventricular dysplasia 9 (ARVD9). Also called: Arrhythmogenic Right Ventricular Dysplasia/Cardiomyopathy 9; ARRHYTHMOGENIC RIGHT VENTRICULAR DYSPLASIA, FAMILIAL, 9. Identifiers: MedGen C1836906, MONDO:0012180, OMIM 609040.

Submission:

Labcorp Genetics (formerly Invitae), Labcorp
Classification: Uncertain significance for Arrhythmogenic right ventricular dysplasia 9. Last evaluated: 2022-06-17. Review status: criteria provided, single submitter. Criteria: Invitae Variant Classification Sherloc (09022015). Collection method: clinical testing. Allele origin: germline.
Comment: Algorithms developed to predict the effect of missense changes on protein structure and function (SIFT, PolyPhen-2, Align-GVGD) all suggest that this variant is likely to be disruptive. ClinVar contains an entry for this variant (Variation ID: 946431). This variant has not been reported in the literature in individuals affected with PKP2-related conditions. This variant is not present in population databases (gnomAD no frequency). In summary, the available evidence is currently insufficient to determine the role of this variant in disease. Therefore, it has been classified as a Variant of Uncertain Significance. This sequence change replaces glycine, which is neutral and non-polar, with glutamic acid, which is acidic and polar, at codon 817 of the PKP2 protein (p.Gly817Glu).